The following is an entry in ClinVar:

ClinVar aggregate classification (germline): Uncertain significance (1 of 4 stars; one submission).

Conditions:
Cholestasis, progressive familial intrahepatic, 4. Identifiers: Orphanet 480483, Orphanet 79304, MedGen C2931067, MONDO:0014381, OMIM 615878.

gnomAD v4.1: 4 of 1,584,752 alleles (0.00025%); highest among the groups gnomAD compares: Admixed American, 0.0052%; no homozygotes.

Submission:

3billion
Classification: Uncertain significance for Cholestasis, progressive familial intrahepatic, 4. Last evaluated: 2026-01-28. Review status: criteria provided, single submitter. Criteria: ACMG Guidelines, 2015. Collection method: clinical testing. Allele origin: germline. Affected: yes.
Comment: The variant is observed at an extremely low frequency in the gnomAD v4.1.0 dataset (total allele frequency: <0.001%). Predicted Consequence/Location: Intron variant In silico tools predict the variant to alter splicing and produce an abnormal transcript [SpliceAI: 0.89 (>=0.2, moderate evidence for spliceogenicity)]. The variant has been reported to be associated with TJP2-related disorder (PMID: 34504838). Therefore, this variant is classified as VUS according to the recommendation of ACMG/AMP guideline.

Literature cited by the submitters: PubMed 34504838.

NM_004817.4(TJP2):c.2668-11A>G

Gene: TJP2 (tight junction protein 2; plus strand). Cytogenetic location: 9q21.11.
Variant type: single nucleotide variant.
Coding change: c.2668-11A>G on transcript NM_004817.4 (MANE Select); 11 bases into the intron before coding-DNA position 2668, A replaced by G.
Molecular consequence: intron variant.
Genome position (GRCh38, 1-based): chr9:69,248,001, A>G. VCF-style: chr9-69248001-A-G. GRCh37 (hg19) VCF-style: chr9-71862917-A-G.
Other names: c.2599-11A>G (NM_001170414.2, NM_001369871.1); c.2593-11A>G (NM_001369870.1); c.2668-11A>G (NM_201629.3, NM_001369872.1); c.2667+1211A>G (NM_001369873.1); c.2680-11A>G (NM_001170415.1, NM_001369875.1, NM_001369874.1); c.2761-11A>G (NM_001170416.2).
Identifiers: ClinVar variation 4855242 (VCV004855242.1).